The following is an entry in ClinVar:

NM_001089.3(ABCA3):c.4858C>T (p.Gln1620Ter)

Gene: ABCA3 (ATP binding cassette subfamily A member 3; minus strand). Cytogenetic location: 16p13.3.
Variant type: single nucleotide variant.
Coding change: c.4858C>T on transcript NM_001089.3 (MANE Select); coding-DNA position 4858, C replaced by T.
Protein change: p.Gln1620Ter; replaces glutamine 1620 with a stop codon.
Molecular consequence: nonsense.
Genome position (GRCh38, 1-based): chr16:2,277,930, G>A on the plus strand (C>T on the coding strand, the complement: ABCA3 is on the minus strand). VCF-style: chr16-2277930-G-A. GRCh37 (hg19) VCF-style: chr16-2327931-G-A.
Other names: short protein forms Q1620*.
Identifiers: ClinVar variation 2854988 (VCV002854988.3), dbSNP rs2505611544, ClinGen allele CA394304443.

ClinVar aggregate classification (germline): Pathogenic (1 of 4 stars; one submission).

Submission:

Labcorp Genetics (formerly Invitae), Labcorp
Classification: Pathogenic. Last evaluated: 2023-04-11. Review status: criteria provided, single submitter. Criteria: Invitae Variant Classification Sherloc (09022015). Collection method: clinical testing. Allele origin: germline.
Comment: This sequence change creates a premature translational stop signal (p.Gln1620*) in the ABCA3 gene. It is expected to result in an absent or disrupted protein product. Loss-of-function variants in ABCA3 are known to be pathogenic (PMID: 27516224). This variant is not present in population databases (gnomAD no frequency). This variant has not been reported in the literature in individuals affected with ABCA3-related conditions. For these reasons, this variant has been classified as Pathogenic.

Literature cited by the submitters: PubMed 27516224.